The following is an entry in ClinVar:

ClinVar aggregate classification (germline): Uncertain significance. Review status: criteria provided, multiple submitters, no conflicts (2 of 4 stars). 3 submissions from 3 submitters: Uncertain significance (3). Last evaluated 2025-09-24.

Conditions:
Combined oxidative phosphorylation defect type 8. Also called: CARDIOMYOPATHY, HYPERTROPHIC MITOCHONDRIAL, FATAL INFANTILE. Identifiers: Orphanet 319504, MedGen C4518839, MONDO:0013570, OMIM 614096.
Inborn genetic diseases. Identifiers: MedGen C0950123, MeSH D030342.

Allele frequency attached by ClinVar (database versions not stated): TOPMed 0.00001; gnomAD 0.00002; gnomAD exomes 0.00004.
gnomAD v4.1: 62 of 1,614,070 alleles (0.0038%); highest among the groups gnomAD compares: Non-Finnish European, 0.0051%; no homozygotes.

Submissions (3):

Labcorp Genetics (formerly Invitae), Labcorp
Classification: Uncertain significance. Last evaluated: 2025-09-24. Review status: criteria provided, single submitter. Criteria: Invitae Variant Classification Sherloc (09022015). Collection method: clinical testing. Allele origin: germline.
Comment: This sequence change replaces valine, which is neutral and non-polar, with methionine, which is neutral and non-polar, at codon 616 of the AARS2 protein (p.Val616Met). This variant is present in population databases (no rsID available, gnomAD 0.0009%). This variant has not been reported in the literature in individuals affected with AARS2-related conditions. ClinVar contains an entry for this variant (Variation ID: 3254573). Invitae Evidence Modeling of protein sequence and biophysical properties (such as structural, functional, and spatial information, amino acid conservation, physicochemical variation, residue mobility, and thermodynamic stability) indicates that this missense variant is not expected to disrupt AARS2 protein function with a negative predictive value of 80%. In summary, the available evidence is currently insufficient to determine the role of this variant in disease. Therefore, it has been classified as a Variant of Uncertain Significance.

Victorian Clinical Genetics Services, Murdoch Childrens Research Institute
Classification: Uncertain significance for Combined oxidative phosphorylation defect type 8. Last evaluated: 2025-09-22. Review status: criteria provided, single submitter. Criteria: ACMG Guidelines, 2015. Collection method: clinical testing. Allele origin: germline. Affected: yes.
Comment: This variant is classified as VUS-3A. Evidence in support of pathogenic classification: Variant is present in gnomAD <0.01 for a recessive condition (v4: 62 heterozygote(s), 0 homozygote(s)). Additional information: Variant is predicted to result in a missense amino acid change from Val to Met; This variant is heterozygous; This gene is associated with autosomal recessive disease; Previous evidence of pathogenicity for this variant is inconclusive. This variant has been classified as a VUS by a clinical laboratory in ClinVar; No published segregation evidence has been identified for this variant; No published functional evidence has been identified for this variant; No comparable missense variants have previous evidence for pathogenicity; Variant is located in the annotated tRNA synthetases class II (A) domain (DECIPHER); Missense variant with inconclusive in silico prediction and uninformative conservation; Loss of function is a mechanism of disease in this gene and is associated with combined oxidative phosphorylation deficiency 8 (MIM#614096) and leukoencephalopathy, progressive, with ovarian failure (MIM#615889) (PMIDs: 28633377, 30285085, 24808023).

Ambry Genetics
Classification: Uncertain significance for Inborn genetic diseases. Last evaluated: 2025-02-01. Review status: criteria provided, single submitter. Criteria: Ambry Variant Classification Scheme 2023. Collection method: clinical testing. Allele origin: germline.

Literature cited by the submitters: PubMed 28633377 (cited by Victorian Clinical Genetics Services, Murdoch Childrens Research Institute); PubMed 24808023 (cited by Victorian Clinical Genetics Services, Murdoch Childrens Research Institute); PubMed 30285085 (cited by Victorian Clinical Genetics Services, Murdoch Childrens Research Institute).

NM_020745.4(AARS2):c.1846G>A (p.Val616Met)

Gene: AARS2 (alanyl-tRNA synthetase 2, mitochondrial; minus strand). Cytogenetic location: 6p21.1.
Variant type: single nucleotide variant.
Coding change: c.1846G>A on transcript NM_020745.4 (MANE Select); coding-DNA position 1846, G replaced by A.
Protein change: p.Val616Met; replaces valine 616 with methionine.
Molecular consequence: missense variant.
Genome position (GRCh38, 1-based): chr6:44,304,440, C>T on the plus strand (G>A on the coding strand, the complement: AARS2 is on the minus strand). VCF-style: chr6-44304440-C-T. GRCh37 (hg19) VCF-style: chr6-44272177-C-T.
Other names: c.1846G>A (NM_020745.2); short protein forms V616M.
Identifiers: ClinVar variation 3254573 (VCV003254573.5), dbSNP rs1309379764.
Genomic context (GRCh38, chr6:44,304,440, plus strand): 5'-GGGCTGCAGGGTATTGGGAACAGTTAGGGAGGATCCTTACCTCATCCACATGCAGCTGCA[C>T]CTGGTCCCCTAACCGCAGGCACTCAGGGGCTACTGCCTCATGCAGGATGAAACCTCCACA-3'
Protein context (NP_065796.2, residues 606-626): APECLRLGDQ[Val616Met]QLHVDEAWRL